The following is an entry in ClinVar:

NM_022454.4(SOX17):c.720G>A (p.Pro240=)

Gene: SOX17 (SRY-box transcription factor 17; plus strand). Cytogenetic location: 8q11.23.
Variant type: single nucleotide variant.
Coding change: c.720G>A on transcript NM_022454.4 (MANE Select); coding-DNA position 720, G replaced by A.
Protein change: p.Pro240=; no amino-acid change (proline 240 retained).
Molecular consequence: synonymous variant.
Genome position (GRCh38, 1-based): chr8:54,459,470, G>A. VCF-style: chr8-54459470-G-A. GRCh37 (hg19) VCF-style: chr8-55372030-G-A.
Identifiers: ClinVar variation 4989662 (VCV004989662.1).

ClinVar aggregate classification (germline): Likely benign (1 of 4 stars; one submission).

Conditions:
SOX17-related disorder. Also called: SOX17-related condition.

Submission:

PreventionGenetics, part of Exact Sciences
Classification: Likely benign for SOX17-related condition. Last evaluated: 2026-03-06. Review status: criteria provided, single submitter. Criteria: ACMG Guidelines, 2015. Collection method: clinical testing. Allele origin: germline.
Comment: This variant is classified as likely benign based on ACMG/AMP sequence variant interpretation guidelines (Richards et al. 2015 PMID: 25741868, with internal and published modifications).